The following is an entry in ClinVar:

ClinVar aggregate classification (germline): Uncertain significance (1 of 4 stars; one submission).

Conditions:
Ehlers-Danlos syndrome, classic type, 2 (EDSCL2). Also called: Ehlers-Danlos Syndrome, Classic Type, COL5A2-Related; Ehlers-Danlos syndrome type 2 (formerly); Ehlers-Danlos syndrome, type 2. Identifiers: Orphanet 287, Orphanet 90318, MedGen C0268336, MONDO:0019568, OMIM 130010.

Submission:

Juno Genomics, Hangzhou Juno Genomics, Inc
Classification: Uncertain significance for Ehlers-Danlos syndrome, classic type, 2. Review status: criteria provided, single submitter. Criteria: ACMG Guidelines, 2015. Collection method: clinical testing. Allele origin: germline.
Comment: Absent from controls (or at extremely low frequency if recessive) in Genome Aggregation Database.;Missense variant in a gene that has a low rate of benign missense variation.;Multiple lines of computational evidence support a deleterious effect on the gene or gene product.;Located in a mutational hot spot and/or critical and well-established functional domain without benign variation.

NM_000393.5(COL5A2):c.1501G>A (p.Gly501Ser)

Gene: COL5A2 (collagen type V alpha 2 chain; minus strand). Cytogenetic location: 2q32.2.
Variant type: single nucleotide variant.
Coding change: c.1501G>A on transcript NM_000393.5 (MANE Select); coding-DNA position 1501, G replaced by A.
Protein change: p.Gly501Ser; replaces glycine 501 with serine.
Molecular consequence: missense variant.
Genome position (GRCh38, 1-based): chr2:189,066,452, C>T on the plus strand (G>A on the coding strand, the complement: COL5A2 is on the minus strand). VCF-style: chr2-189066452-C-T. GRCh37 (hg19) VCF-style: chr2-189931178-C-T.
Other names: short protein forms G501S.
Identifiers: ClinVar variation 5019374 (VCV005019374.2).